The following is an entry in ClinVar:

NM_176824.3(BBS7):c.1457A>G (p.Tyr486Cys)

Gene: BBS7 (Bardet-Biedl syndrome 7; minus strand). Cytogenetic location: 4q27.
Variant type: single nucleotide variant.
Coding change: c.1457A>G on transcript NM_176824.3 (MANE Select); coding-DNA position 1457, A replaced by G.
Protein change: p.Tyr486Cys; replaces tyrosine 486 with cysteine.
Molecular consequence: missense variant.
Genome position (GRCh38, 1-based): chr4:121,835,198, T>C on the plus strand (A>G on the coding strand, the complement: BBS7 is on the minus strand). VCF-style: chr4-121835198-T-C. GRCh37 (hg19) VCF-style: chr4-122756353-T-C.
Other names: c.1457A>G, p.Tyr486Cys (NM_018190.4); short protein forms Y486C.
Identifiers: ClinVar variation 1509151 (VCV001509151.3), dbSNP rs2149056521, ClinGen allele CA358058631.

ClinVar aggregate classification (germline): Uncertain significance (1 of 4 stars; one submission).

Conditions:
Bardet-Biedl syndrome (BBS). Identifiers: Orphanet 110, MedGen C0752166, MONDO:0015229.

Submission:

Labcorp Genetics (formerly Invitae), Labcorp
Classification: Uncertain significance for Bardet-Biedl syndrome. Last evaluated: 2022-10-13. Review status: criteria provided, single submitter. Criteria: Invitae Variant Classification Sherloc (09022015). Collection method: clinical testing. Allele origin: germline.
Comment: This sequence change replaces tyrosine, which is neutral and polar, with cysteine, which is neutral and slightly polar, at codon 486 of the BBS7 protein (p.Tyr486Cys). This variant is not present in population databases (gnomAD no frequency). This variant has not been reported in the literature in individuals affected with BBS7-related conditions. ClinVar contains an entry for this variant (Variation ID: 1509151). Advanced modeling of protein sequence and biophysical properties (such as structural, functional, and spatial information, amino acid conservation, physicochemical variation, residue mobility, and thermodynamic stability) performed at Invitae indicates that this missense variant is expected to disrupt BBS7 protein function. In summary, the available evidence is currently insufficient to determine the role of this variant in disease. Therefore, it has been classified as a Variant of Uncertain Significance.